The following is an entry in ClinVar:

ClinVar aggregate classification (germline): Uncertain significance (1 of 4 stars; one submission).

Allele frequency attached by ClinVar (database versions not stated): gnomAD exomes below 0.00001; TOPMed below 0.00001; gnomAD 0.00001.
gnomAD v4.1: 2 of 1,614,048 alleles (0.00012%); highest among the groups gnomAD compares: African/African-American, 0.0013%; no homozygotes.

Submission:

Labcorp Genetics (formerly Invitae), Labcorp
Classification: Uncertain significance. Last evaluated: 2023-06-04. Review status: criteria provided, single submitter. Criteria: Invitae Variant Classification Sherloc (09022015). Collection method: clinical testing. Allele origin: germline.
Comment: Advanced modeling of protein sequence and biophysical properties (such as structural, functional, and spatial information, amino acid conservation, physicochemical variation, residue mobility, and thermodynamic stability) has been performed at Invitae for this missense variant, however the output from this modeling did not meet the statistical confidence thresholds required to predict the impact of this variant on KMT2A protein function. In summary, the available evidence is currently insufficient to determine the role of this variant in disease. Therefore, it has been classified as a Variant of Uncertain Significance. This variant has not been reported in the literature in individuals affected with KMT2A-related conditions. This sequence change replaces arginine, which is basic and polar, with cysteine, which is neutral and slightly polar, at codon 2627 of the KMT2A protein (p.Arg2627Cys). This variant is present in population databases (no rsID available, gnomAD 0.0009%).

NM_001197104.2(KMT2A):c.7879C>T (p.Arg2627Cys)

Gene: KMT2A (lysine methyltransferase 2A; plus strand). Cytogenetic location: 11q23.3.
Variant type: single nucleotide variant.
Coding change: c.7879C>T on transcript NM_001197104.2 (MANE Select); coding-DNA position 7879, C replaced by T.
Protein change: p.Arg2627Cys; replaces arginine 2627 with cysteine.
Molecular consequence: missense variant.
Genome position (GRCh38, 1-based): chr11:118,503,771, C>T. VCF-style: chr11-118503771-C-T. GRCh37 (hg19) VCF-style: chr11-118374486-C-T.
Other names: c.7969C>T, p.Arg2657Cys (NM_001412597.1); c.7870C>T, p.Arg2624Cys (NM_005933.4); short protein forms R2657C, R2624C, R2627C.
Identifiers: ClinVar variation 2768050 (VCV002768050.3), dbSNP rs1555046878, ClinGen allele CA382807619.